The following is an entry in ClinVar:

NM_000214.3(JAG1):c.823A>G (p.Ile275Val)

Gene: JAG1 (jagged canonical Notch ligand 1; minus strand). Cytogenetic location: 20p12.2.
Variant type: single nucleotide variant.
Coding change: c.823A>G on transcript NM_000214.3 (MANE Select); coding-DNA position 823, A replaced by G.
Protein change: p.Ile275Val; replaces isoleucine 275 with valine.
Molecular consequence: missense variant.
Genome position (GRCh38, 1-based): chr20:10,652,531, T>C on the plus strand (A>G on the coding strand, the complement: JAG1 is on the minus strand). VCF-style: chr20-10652531-T-C. GRCh37 (hg19) VCF-style: chr20-10633179-T-C.
Other names: short protein forms I275V.
Identifiers: ClinVar variation 3573120 (VCV003573120.2).

Conditions:
Arteriohepatic dysplasia. Also called: Alagille Syndrome. Identifiers: Orphanet 52, MedGen C0085280, MeSH D016738, MONDO:0007318.

Submission:

Gilbert/Spinner Lab, Children's Hospital of Philadelphia
No classification provided (evidence only). Condition: Alagille syndrome. Review status: no classification provided. Collection method: research. Allele origin: not applicable. Functional consequence: functionally_abnormal.
ClinVar note: "not provided" was previously submitted as the classification for the variant. However, the classification appeared to be based only on an observation of functional data so it was converted to no classification on 2025-07-30.